The following is an entry in ClinVar:

ClinVar aggregate classification (germline): Pathogenic. Review status: criteria provided, multiple submitters, no conflicts (2 of 4 stars). 2 submissions from 2 submitters: Pathogenic (2). Last evaluated 2024-08-08.

Conditions:
Juvenile polyposis syndrome (JPS). Identifiers: Orphanet 2929, MedGen C0345893, MONDO:0017380, OMIM 174900.
Juvenile polyposis/hereditary hemorrhagic telangiectasia syndrome (JPHT). Also called: JP/HHT SYNDROME; JUVENILE POLYPOSIS WITH HEREDITARY HEMORRHAGIC TELANGIECTASIA; POLYPOSIS, GENERALIZED JUVENILE, WITH PULMONARY ARTERIOVENOUS MALFORMATION; TELANGIECTASIA, HEREDITARY HEMORRHAGIC, WITH JUVENILE POLYPOSIS COLI; Juvenile Polyposis Syndrome / Hereditary Hemorrhagic Telangiectasia (JPS/HHT). Identifiers: Orphanet 2929, MedGen C1832942, MONDO:0008278, OMIM 175050.

Submissions (2):

Labcorp Genetics (formerly Invitae), Labcorp
Classification: Pathogenic for Juvenile polyposis syndrome. Last evaluated: 2024-08-08. Review status: criteria provided, single submitter. Criteria: Invitae Variant Classification Sherloc (09022015). Collection method: clinical testing. Allele origin: germline.
Comment: This sequence change creates a premature translational stop signal (p.Pro356Leufs*28) in the SMAD4 gene. It is expected to result in an absent or disrupted protein product. Loss-of-function variants in SMAD4 are known to be pathogenic (PMID: 16152648, 16436638, 22810475). This variant is not present in population databases (gnomAD no frequency). This variant has not been reported in the literature in individuals affected with SMAD4-related conditions. ClinVar contains an entry for this variant (Variation ID: 847859). For these reasons, this variant has been classified as Pathogenic.

Myriad Genetics, Inc.
Classification: Pathogenic for Juvenile polyposis/hereditary hemorrhagic telangiectasia syndrome. Last evaluated: 2024-02-09. Review status: criteria provided, single submitter. Criteria: Myriad Autosomal Dominant, Autosomal Recessive and X-Linked Classification Criteria (2023). Collection method: clinical testing. Allele origin: unknown.
Comment: This variant is considered pathogenic. This variant creates a frameshift predicted to result in premature protein truncation.

Literature cited by the submitters: PubMed 16152648 (cited by Labcorp Genetics (formerly Invitae), Labcorp); PubMed 16436638 (cited by Labcorp Genetics (formerly Invitae), Labcorp); PubMed 22810475 (cited by Labcorp Genetics (formerly Invitae), Labcorp).

NM_005359.6(SMAD4):c.1067del (p.Pro356fs)

Gene: SMAD4 (SMAD family member 4; plus strand). Cytogenetic location: 18q21.2.
Variant type: Deletion.
Coding change: c.1067del on transcript NM_005359.6 (MANE Select); coding-DNA position 1067, one base deleted (C; older notation c.1067delC).
Protein change: p.Pro356fs; shifts the reading frame from proline 356.
Molecular consequence: frameshift variant.
Genome position (GRCh38, 1-based): chr18:51,065,534, C deleted; the last of 3 consecutive C bases (chr18:51,065,532-51,065,534); deleting any one gives the same sequence. VCF-style (leftmost placement, unchanged base first): chr18-51065531-AC-A. GRCh37 (hg19) VCF-style: chr18-48591901-AC-A.
Other names: short protein forms P356fs.
Identifiers: ClinVar variation 847859 (VCV000847859.8), dbSNP rs1599195489, ClinGen allele CA916081934.